The following is an entry in ClinVar:

ClinVar aggregate classification (germline): Benign/Likely benign. Review status: criteria provided, multiple submitters, no conflicts (2 of 4 stars). 2 submissions from 2 submitters: Benign (1); Likely benign (1). Last evaluated 2023-09-22.

Conditions:
Thrombocytopenia 2 (THC2). Also called: ANKRD26-Related Thrombocytopenia. Identifiers: Orphanet 268322, MedGen C1861185, MONDO:0008555, OMIM 188000.

Allele frequency attached by ClinVar (database versions not stated): gnomAD 0.00001; gnomAD exomes 0.00001 and 0.00002; TOPMed 0.00001; ExAC 0.00002.
gnomAD v4.1: 6 of 1,614,008 alleles (0.00037%); highest among the groups gnomAD compares: Admixed American, 0.005%; no homozygotes.

Submissions (2):

Labcorp Genetics (formerly Invitae), Labcorp
Classification: Likely benign. Last evaluated: 2023-09-22. Review status: criteria provided, single submitter. Criteria: Invitae Variant Classification Sherloc (09022015). Collection method: clinical testing. Allele origin: germline.

Illumina Laboratory Services, Illumina
Classification: Benign for Thrombocytopenia 2. Last evaluated: 2018-01-13. Review status: criteria provided, single submitter. Criteria: ICSL Variant Classification Criteria 13 December 2019. Collection method: clinical testing. Allele origin: germline.
Comment: This variant was observed in the ICSL laboratory as part of a predisposition screen in an ostensibly healthy population. It had not been previously curated by ICSL or reported in the Human Gene Mutation Database (HGMD: prior to June 1st, 2018), and was therefore a candidate for classification through an automated scoring system. Utilizing variant allele frequency, disease prevalence and penetrance estimates, and inheritance mode, an automated score was calculated to assess if this variant is too frequent to cause the disease. Based on the score and internal cut-off values, a variant classified as benign is not then subjected to further curation. The score for this variant resulted in a classification of benign for this disease.

NM_014915.3(ANKRD26):c.162C>T (p.Ala54=)

Genes: ANKRD26 (ankyrin repeat domain 26; minus strand), LOC130003554 (ATAC-STARR-seq lymphoblastoid silent region 2243; plus strand). Cytogenetic location: 10p12.1.
Variant type: single nucleotide variant.
Coding change: c.162C>T on transcript NM_014915.3 (MANE Select); coding-DNA position 162, C replaced by T.
Protein change: p.Ala54=; no amino-acid change (alanine 54 retained).
Molecular consequence: synonymous variant.
Genome position (GRCh38, 1-based): chr10:27,100,165, G>A on the plus strand (C>T on the coding strand, the complement: ANKRD26 is on the minus strand). VCF-style: chr10-27100165-G-A. GRCh37 (hg19) VCF-style: chr10-27389094-G-A.
Other names: c.162C>T, p.Ala54= (NM_001256053.2).
Identifiers: ClinVar variation 299763 (VCV000299763.8), dbSNP rs761866364, ClinGen allele CA5449041.